The following is an entry in ClinVar:

ClinVar aggregate classification (germline): Uncertain significance (1 of 4 stars; one submission).

Submission:

Dasa
Classification: Uncertain significance. Last evaluated: 2026-01-07. Review status: criteria provided, single submitter. Criteria: DASA Assertion Criteria. Collection method: clinical testing. Allele origin: germline.
Comment: NM_152263.4(TPM3):c.478G>A (p.Asp160Asn) is a missense variant that results in the substitution of aspartic acid with asparagine. This variant is rare in population databases. Computational prediction algorithms are consistent with a deleterious effect. The currently available literature and clinical evidence are not sufficient to establish a definitive association between this variant and the reported condition. Therefore, this variant is classified as a variant of uncertain significance.

NM_152263.4(TPM3):c.478G>A (p.Asp160Asn)

Gene: TPM3 (tropomyosin 3; minus strand). Cytogenetic location: 1q21.3.
Variant type: single nucleotide variant.
Coding change: c.478G>A on transcript NM_152263.4 (MANE Select); coding-DNA position 478, G replaced by A.
Protein change: p.Asp160Asn; replaces aspartic acid 160 with asparagine.
Molecular consequence: missense variant. On other transcripts: non-coding transcript variant (1).
Genome position (GRCh38, 1-based): chr1:154,173,101, C>T on the plus strand (G>A on the coding strand, the complement: TPM3 is on the minus strand). VCF-style: chr1-154173101-C-T. GRCh37 (hg19) VCF-style: chr1-154145577-C-T.
Other names: c.367G>A, p.Asp123Asn (NM_001043351.2, NM_001043352.2, NM_001043353.2 and 5 more transcripts); c.169G>A, p.Asp57Asn (NM_001278188.2); c.97G>A, p.Asp33Asn (NM_001278191.2); c.478G>A, p.Asp160Asn (NM_001364679.2, NM_001364680.2, NM_001364681.2 and 1 more transcripts); short protein forms D123N, D160N, D33N, D57N.
Identifiers: ClinVar variation 4885185 (VCV004885185.2).